The following is an entry in ClinVar:

NM_000179.3(MSH6):c.2744C>G (p.Ala915Gly)

Gene: MSH6 (mutS homolog 6; plus strand). Cytogenetic location: 2p16.3.
Variant type: single nucleotide variant.
Coding change: c.2744C>G on transcript NM_000179.3 (MANE Select); coding-DNA position 2744, C replaced by G.
Protein change: p.Ala915Gly; replaces alanine 915 with glycine.
Molecular consequence: missense variant.
Genome position (GRCh38, 1-based): chr2:47,800,727, C>G. VCF-style: chr2-47800727-C-G. GRCh37 (hg19) VCF-style: chr2-48027866-C-G.
Other names: c.2354C>G, p.Ala785Gly (NM_001281492.2); c.1838C>G, p.Ala613Gly (NM_001281493.2, NM_001281494.2); short protein forms A915G, A613G, A785G.
Identifiers: ClinVar variation 480919 (VCV000480919.23), dbSNP rs766427609, ClinGen allele CA346755403.

ClinVar aggregate classification (germline): Conflicting classifications of pathogenicity. Review status: criteria provided, conflicting classifications (1 of 4 stars). 7 submissions from 7 submitters: Uncertain significance (6); Benign (1). Last evaluated 2026-06-15.

Conditions:
Hereditary nonpolyposis colorectal neoplasms. Identifiers: MedGen C0009405, MeSH D003123.
Hereditary cancer-predisposing syndrome. Also called: Neoplastic Syndromes, Hereditary; Hereditary neoplastic syndrome; Hereditary Cancer Syndrome; Tumor predisposition. Identifiers: Orphanet 140162, MedGen C0027672, MeSH D009386, MONDO:0015356.
Lynch syndrome. Identifiers: Orphanet 144, MedGen C4552100, MONDO:0005835. Disease mechanism: loss of function.
Endometrial carcinoma. Also called: Endometrial carcinoma, somatic. Identifiers: MedGen C0476089, MONDO:0002447, OMIM 608089, HP:0012114.

Submissions (7):

Ambry Genetics
Classification: Uncertain significance for Hereditary cancer-predisposing syndrome. Last evaluated: 2026-06-15. Review status: criteria provided, single submitter. Criteria: Ambry Variant Classification Scheme 2023. Collection method: clinical testing. Allele origin: germline.

Labcorp Genetics (formerly Invitae), Labcorp
Classification: Benign for Hereditary nonpolyposis colorectal neoplasms. Last evaluated: 2025-12-30. Review status: criteria provided, single submitter. Criteria: Invitae Variant Classification Sherloc (09022015). Collection method: clinical testing. Allele origin: germline.

All of Us Research Program, National Institutes of Health
Classification: Uncertain significance for Lynch syndrome. Last evaluated: 2024-08-06. Review status: criteria provided, single submitter. Criteria: ACMG Guidelines, 2015. Collection method: clinical testing. Allele origin: germline. Inheritance: Autosomal dominant inheritance. Observed: 2 variant alleles, 2 heterozygotes.
Comment: This study involves interpretation of variants in research participants for the purpose of population health screening. Participant phenotype was not available at the time of variant classification. Additional details can be found in publication PMID: 35346344, PMCID: PMC8962531

GeneDx
Classification: Uncertain significance. Last evaluated: 2023-10-27. Review status: criteria provided, single submitter. Criteria: GeneDx Variant Classification Process June 2021. Collection method: clinical testing. Allele origin: germline. Affected: yes.
Comment: Not observed at significant frequency in large population cohorts (gnomAD); In silico analysis supports that this missense variant has a deleterious effect on protein structure/function; Has not been previously published as pathogenic or benign to our knowledge; This variant is associated with the following publications: (PMID: 21120944, 17531815)

Baylor Genetics
Classification: Uncertain significance for Endometrial carcinoma. Last evaluated: 2023-09-21. Review status: criteria provided, single submitter. Criteria: ACMG Guidelines, 2015. Collection method: clinical testing. Allele origin: unknown.

Color Diagnostics, LLC DBA Color Health
Classification: Uncertain significance for Hereditary cancer-predisposing syndrome. Last evaluated: 2019-02-05. Review status: criteria provided, single submitter. Criteria: ACMG Guidelines, 2015. Collection method: clinical testing. Allele origin: germline.

Women's Health and Genetics/Laboratory Corporation of America, LabCorp
Classification: Uncertain significance. Last evaluated: 2017-02-16. Review status: criteria provided, single submitter. Criteria: LabCorp Variant Classification Summary - May 2015. Collection method: clinical testing. Allele origin: germline.
Comment: Variant summary: The MSH6 c.2744C>G (p.Ala915Gly) variant involves the alteration of a conserved nucleotide. 4/4 in silico tools predict a damaging outcome for this variant (SNPs&GO not captured due to low reliability index). This variant is absent in 120742 control chromosomes. The variant of interest has not, to our knowledge, been reported in affected individuals via publications and clinical diagnostic laboratories; nor evaluated for functional impact by in vivo/vitro studies. Because of the absence of clinical information and the lack of functional studies, the variant is classified as a variant of uncertain significance (VUS) until additional information becomes available.